The following is an entry in ClinVar:

NC_012920.1(MT-CO3):m.9549C>T

Gene: MT-CO3 (mitochondrially encoded cytochrome c oxidase III; plus strand).
Variant type: single nucleotide variant.
Genome position: chrM-9549-C-T.
Identifiers: ClinVar variation 693181 (VCV000693181.4), dbSNP rs1603222370, ClinGen allele CA414803191.

ClinVar aggregate classification (germline): Uncertain significance. Review status: criteria provided, multiple submitters, no conflicts (2 of 4 stars). 2 submissions from 2 submitters: Uncertain significance (2). Last evaluated 2019-10-17.

Conditions:
Leigh syndrome (NULS). Also called: Leigh's necrotizing encephalopathy; Leigh's disease; Leigh Syndrome (mtDNA deletion); Leigh Disease; Subacute necrotizing encephalopathy; Necrotizing encephalopathy infantile subacute of Leigh. Identifiers: Orphanet 506, MedGen C2931891, MONDO:0009723, OMIM 256000.

Submissions (2):

Wong Mito Lab, Molecular and Human Genetics, Baylor College of Medicine
Classification: Uncertain significance for Leigh syndrome. Last evaluated: 2019-10-17. Review status: criteria provided, single submitter. Criteria: Modified ACMG Guidelines (Unpublished). Collection method: clinical testing. Allele origin: germline.
Comment: The NC_012920.1:m.9549C>T (YP_003024032.1:p.His115Tyr) variant in MTCO3 gene is interpretated to be a Uncertain Significance variant based on the modified ACMG guidelines (unpublished). This variant meets the following evidence codes: PM10, PP6

Centre for Mendelian Genomics, University Medical Centre Ljubljana
Classification: Uncertain significance. Last evaluated: 2019-03-19. Review status: criteria provided, single submitter. Criteria: ACMG Guidelines, 2015. Collection method: clinical testing. Allele origin: unknown. Affected: yes.
Comment: This variant was classified as: Uncertain significance. The available evidence on this variant's pathogenicity is insufficient or conflicting. The following ACMG criteria were applied in classifying this variant: No criteria apply.